The following is an entry in ClinVar:

NM_032444.4(SLX4):c.467C>T (p.Thr156Ile)

Gene: SLX4 (SLX4 structure-specific endonuclease subunit; minus strand). Cytogenetic location: 16p13.3.
Variant type: single nucleotide variant.
Coding change: c.467C>T on transcript NM_032444.4 (MANE Select); coding-DNA position 467, C replaced by T.
Protein change: p.Thr156Ile; replaces threonine 156 with isoleucine.
Molecular consequence: missense variant.
Genome position (GRCh38, 1-based): chr16:3,608,498, G>A on the plus strand (C>T on the coding strand, the complement: SLX4 is on the minus strand). VCF-style: chr16-3608498-G-A. GRCh37 (hg19) VCF-style: chr16-3658499-G-A.
Other names: short protein forms T156I.
Identifiers: ClinVar variation 1006307 (VCV001006307.8), dbSNP rs144614070, ClinGen allele CA7866864.

ClinVar aggregate classification (germline): Uncertain significance (1 of 4 stars; one submission).

Conditions:
Fanconi anemia (FA). Also called: Fanconi's anemia. Identifiers: Orphanet 84, MedGen C0015625, MeSH D005199, MONDO:0019391.

Submission:

Labcorp Genetics (formerly Invitae), Labcorp
Classification: Uncertain significance for Fanconi anemia. Last evaluated: 2023-04-07. Review status: criteria provided, single submitter. Criteria: Invitae Variant Classification Sherloc (09022015). Collection method: clinical testing. Allele origin: germline.
Comment: An algorithm developed to predict the effect of missense changes on protein structure and function (PolyPhen-2) suggests that this variant is likely to be tolerated. In summary, the available evidence is currently insufficient to determine the role of this variant in disease. Therefore, it has been classified as a Variant of Uncertain Significance. ClinVar contains an entry for this variant (Variation ID: 1006307). This variant has not been reported in the literature in individuals affected with SLX4-related conditions. This variant is present in population databases (rs144614070, gnomAD 0.0009%). This sequence change replaces threonine, which is neutral and polar, with isoleucine, which is neutral and non-polar, at codon 156 of the SLX4 protein (p.Thr156Ile).